The following is an entry in ClinVar:

ClinVar aggregate classification (germline): Uncertain significance. Review status: criteria provided, multiple submitters, no conflicts (2 of 4 stars). 2 submissions from 2 submitters: Uncertain significance (2). Last evaluated 2024-02-16.

Conditions:
Hereditary cancer-predisposing syndrome. Also called: Neoplastic Syndromes, Hereditary; Hereditary neoplastic syndrome; Tumor predisposition; Hereditary Cancer Syndrome. Identifiers: Orphanet 140162, MedGen C0027672, MeSH D009386, MONDO:0015356.

Submissions (2):

Ambry Genetics
Classification: Uncertain significance for Hereditary cancer-predisposing syndrome. Last evaluated: 2024-02-16. Review status: criteria provided, single submitter. Criteria: Ambry Variant Classification Scheme 2023. Collection method: clinical testing. Allele origin: germline.
Comment: The p.L195M variant (also known as c.583C>A), located in coding exon 6 of the EPCAM gene, results from a C to A substitution at nucleotide position 583. The leucine at codon 195 is replaced by methionine, an amino acid with highly similar properties. This amino acid position is conserved. In addition, the in silico prediction for this alteration is inconclusive. Based on the available evidence, the clinical significance of this alteration remains unclear.

CeGaT Center for Human Genetics Tuebingen
Classification: Uncertain significance. Last evaluated: 2019-01-01. Review status: criteria provided, single submitter. Criteria: CeGaT Center For Human Genetics Tuebingen Variant Classification Criteria Version 2. Collection method: clinical testing. Allele origin: germline. Affected: yes. Observed: 1 variant allele.

NM_002354.3(EPCAM):c.583C>A (p.Leu195Met)

Gene: EPCAM (epithelial cell adhesion molecule; plus strand). Cytogenetic location: 2p21.
Variant type: single nucleotide variant.
Coding change: c.583C>A on transcript NM_002354.3 (MANE Select); coding-DNA position 583, C replaced by A.
Protein change: p.Leu195Met; replaces leucine 195 with methionine.
Molecular consequence: missense variant.
Genome position (GRCh38, 1-based): chr2:47,378,980, C>A. VCF-style: chr2-47378980-C-A. GRCh37 (hg19) VCF-style: chr2-47606119-C-A.
Other names: c.583C>A (NM_002354.2); short protein forms L195M.
Identifiers: ClinVar variation 808746 (VCV000808746.43), dbSNP rs770760223, ClinGen allele CA346724143.